The following is an entry in ClinVar:

NM_000551.4(VHL):c.169G>A (p.Gly57Arg)

Gene: VHL (von Hippel-Lindau tumor suppressor; plus strand). Cytogenetic location: 3p25.3.
Variant type: single nucleotide variant.
Coding change: c.169G>A on transcript NM_000551.4 (MANE Select); coding-DNA position 169, G replaced by A.
Protein change: p.Gly57Arg; replaces glycine 57 with arginine.
Molecular consequence: missense variant.
Genome position (GRCh38, 1-based): chr3:10,142,016, G>A. VCF-style: chr3-10142016-G-A. GRCh37 (hg19) VCF-style: chr3-10183700-G-A.
Other names: c.169G>A, p.Gly57Arg (NM_001354723.2, NM_198156.3); short protein forms G57R.
Identifiers: ClinVar variation 1394926 (VCV001394926.8), dbSNP rs1064795194, ClinGen allele CA351748598.

ClinVar aggregate classification (germline): Uncertain significance (1 of 4 stars; one submission).

Conditions:
Chuvash polycythemia. Also called: POLYCYTHEMIA, VHL-DEPENDENT. Identifiers: Orphanet 238557, MedGen C1837915, MONDO:0009892, OMIM 263400.
Von Hippel-Lindau syndrome (VHLS). Also called: VHL syndrome; von Hippel–Lindau syndrome; Von Hippel-Lindau. Identifiers: Orphanet 892, MedGen C0019562, MONDO:0008667, OMIM 193300. Disease mechanism: loss of function.

Submission:

Labcorp Genetics (formerly Invitae), Labcorp
Classification: Uncertain significance for Von Hippel-Lindau syndrome; Chuvash polycythemia. Last evaluated: 2021-05-13. Review status: criteria provided, single submitter. Criteria: Invitae Variant Classification Sherloc (09022015). Collection method: clinical testing. Allele origin: germline.
Comment: This sequence change replaces glycine with arginine at codon 57 of the VHL protein (p.Gly57Arg). The glycine residue is highly conserved and there is a moderate physicochemical difference between glycine and arginine. This variant is not present in population databases (ExAC no frequency). This variant has not been reported in the literature in individuals with VHL-related conditions. Algorithms developed to predict the effect of missense changes on protein structure and function are either unavailable or do not agree on the potential impact of this missense change (SIFT: "Deleterious"; PolyPhen-2: "Probably Damaging"; Align-GVGD: "Class C0"). In summary, the available evidence is currently insufficient to determine the role of this variant in disease. Therefore, it has been classified as a Variant of Uncertain Significance.